The following is an entry in ClinVar:

NM_130837.3(OPA1):c.1406_1407del (p.Thr469fs)

Gene: OPA1 (OPA1 mitochondrial dynamin like GTPase; plus strand). Cytogenetic location: 3q29.
Variant type: Microsatellite.
Coding change: c.1406_1407del on transcript NM_130837.3 (MANE Select); coding-DNA positions 1406 to 1407, 2 bases deleted (CA; older notation c.1406_1407delCA).
Protein change: p.Thr469fs; shifts the reading frame from threonine 469.
Molecular consequence: frameshift variant.
Genome position (GRCh38, 1-based): chr3:193,643,556-193,643,557, CA deleted; deleting any 2 consecutive bases within chr3:193,643,553-193,643,557 gives the same sequence; the c. name uses the placement nearest the transcript's 3' end. VCF-style (leftmost placement, unchanged base first): chr3-193643552-GAC-G. GRCh37 (hg19) VCF-style: chr3-193361341-GAC-G.
Other names: c.872_873del, p.Thr291fs (NM_001354663.2); c.869_870del, p.Thr290fs (NM_001354664.2); c.1239_1240CA[1], p.Thr414Lysfs (NM_015560.2); c.1241_1242del, p.Thr414fs (NM_015560.3); c.1133_1134del, p.Thr378fs (NM_130831.3); c.1187_1188del, p.Thr396fs (NM_130832.3); c.1244_1245del, p.Thr415fs (NM_130833.3); c.1295_1296del, p.Thr432fs (NM_130834.3); and 3 more; short protein forms T432fs, T291fs, T396fs, T433fs, T451fs, T469fs, T414fs, T290fs.
Identifiers: ClinVar variation 1998625 (VCV001998625.7), dbSNP rs2474873974, ClinGen allele CA2580616037.
Genomic context (GRCh38, chr3:193,643,552, plus strand): 5'-GCATTTATAATGACATTTAAAACCTTTTTCTTTAAGACTGTGACATCAGGCATGGCTCCT[GAC>G]ACAAAGGAAACTATTTTCAGTATCAGCAAAGCTTACATGCAGAATCCTAATGCCATCATA-3'

ClinVar aggregate classification (germline): Pathogenic. Review status: criteria provided, multiple submitters, no conflicts (2 of 4 stars). 3 submissions from 3 submitters: Pathogenic (3). Last evaluated 2026-10-16.

Conditions:
OPA1-related disorder. Also called: OPA1-related condition; OPA1-related disorders.

Submissions (3):

GeneDx
Classification: Pathogenic. Last evaluated: 2026-10-16. Review status: criteria provided, single submitter. Criteria: GeneDx Variant Classification Process June 2021. Collection method: clinical testing. Allele origin: germline.
Comment: Frameshift variant predicted to result in protein truncation or nonsense mediated decay in a gene for which loss of function is a known mechanism of disease; Not observed at significant frequency in large population cohorts (gnomAD); Has not been previously published as pathogenic or benign to our knowledge

Blueprint Genetics
Classification: Pathogenic for OPA1-related disorders. Last evaluated: 2024-09-06. Review status: criteria provided, single submitter. Criteria: ACMG Guidelines, 2015. Collection method: clinical testing. Allele origin: germline. Affected: yes. Observed: 2 variant alleles.

Labcorp Genetics (formerly Invitae), Labcorp
Classification: Pathogenic. Last evaluated: 2022-06-14. Review status: criteria provided, single submitter. Criteria: Invitae Variant Classification Sherloc (09022015). Collection method: clinical testing. Allele origin: germline.
Comment: For these reasons, this variant has been classified as Pathogenic. This variant has not been reported in the literature in individuals affected with OPA1-related conditions. This variant is not present in population databases (gnomAD no frequency). This sequence change creates a premature translational stop signal (p.Thr414Lysfs*16) in the OPA1 gene. It is expected to result in an absent or disrupted protein product. Loss-of-function variants in OPA1 are known to be pathogenic (PMID: 11440988, 20157015, 20952381, 25012220).

Literature cited by the submitters: PubMed 11440988 (cited by Labcorp Genetics (formerly Invitae), Labcorp); PubMed 20157015 (cited by Labcorp Genetics (formerly Invitae), Labcorp); PubMed 20952381 (cited by Labcorp Genetics (formerly Invitae), Labcorp); PubMed 25012220 (cited by Labcorp Genetics (formerly Invitae), Labcorp).